The following is an entry in ClinVar:

NC_000018.9:g.(?_29078215)_(29126706_?)del

Gene: DSG2 (desmoglein 2; plus strand). Cytogenetic location: 18q12.1.
Variant type: Deletion.
Identifiers: ClinVar variation 3242751 (VCV003242751.1).

ClinVar aggregate classification (germline): Pathogenic (1 of 4 stars; one submission).

Conditions:
Arrhythmogenic right ventricular dysplasia 10. Also called: Arrhythmogenic Right Ventricular Dysplasia/Cardiomyopathy10; Arrhythmogenic right ventricular dysplasia/cardiomyopathy, type 10; ARRHYTHMOGENIC RIGHT VENTRICULAR DYSPLASIA, FAMILIAL, 10. Identifiers: MedGen C1857777, MONDO:0012434, OMIM 610193.

Submission:

Labcorp Genetics (formerly Invitae), Labcorp
Classification: Pathogenic for Arrhythmogenic right ventricular dysplasia 10. Last evaluated: 2023-10-08. Review status: criteria provided, single submitter. Criteria: Invitae Variant Classification Sherloc (09022015). Collection method: clinical testing. Allele origin: unknown.
Comment: A gross deletion of the genomic region encompassing the full coding sequence of the DSG2 gene has been identified. Loss-of-function variants in DSG2 are known to be pathogenic (PMID: 17105751, 31386562). The boundaries of this event are unknown as they extend beyond the assayed region for this gene and therefore may encompass additional genes. This variant has not been reported in the literature in individuals affected with DSG2-related conditions. For these reasons, this variant has been classified as Pathogenic.

Literature cited by the submitters: PubMed 17105751; PubMed 31386562.